The following is an entry in ClinVar:

ClinVar aggregate classification (germline): Uncertain significance (1 of 4 stars; one submission).

Conditions:
Congenital disorder of deglycosylation (CDDG). Identifiers: MedGen C3808991, MONDO:0031376.

gnomAD v4.1: 1 of 1,613,476 alleles (0.000062%); no homozygotes.

Submission:

Labcorp Genetics (formerly Invitae), Labcorp
Classification: Uncertain significance for Congenital disorder of deglycosylation. Last evaluated: 2021-03-15. Review status: criteria provided, single submitter. Criteria: Invitae Variant Classification Sherloc (09022015). Collection method: clinical testing. Allele origin: germline.
Comment: This variant is not present in population databases (ExAC no frequency). In summary, the available evidence is currently insufficient to determine the role of this variant in disease. Therefore, it has been classified as a Variant of Uncertain Significance. Algorithms developed to predict the effect of missense changes on protein structure and function (SIFT, PolyPhen-2, Align-GVGD) all suggest that this variant is likely to be tolerated, but these predictions have not been confirmed by published functional studies and their clinical significance is uncertain. This variant has not been reported in the literature in individuals with NGLY1-related conditions. This sequence change replaces tyrosine with phenylalanine at codon 603 of the NGLY1 protein (p.Tyr603Phe). The tyrosine residue is moderately conserved and there is a small physicochemical difference between tyrosine and phenylalanine.

NM_018297.4(NGLY1):c.1808A>T (p.Tyr603Phe)

Gene: NGLY1 (N-glycanase 1; minus strand). Cytogenetic location: 3p24.2.
Variant type: single nucleotide variant.
Coding change: c.1808A>T on transcript NM_018297.4 (MANE Select); coding-DNA position 1808, A replaced by T.
Protein change: p.Tyr603Phe; replaces tyrosine 603 with phenylalanine.
Molecular consequence: missense variant.
Genome position (GRCh38, 1-based): chr3:25,719,617, T>A on the plus strand (A>T on the coding strand, the complement: NGLY1 is on the minus strand). VCF-style: chr3-25719617-T-A. GRCh37 (hg19) VCF-style: chr3-25761108-T-A.
Other names: c.1754A>T, p.Tyr585Phe (NM_001145293.2); c.1682A>T, p.Tyr561Phe (NM_001145294.2); c.1630A>T, p.Met544Leu (NM_001145295.2); short protein forms Y561F, M544L, Y603F, Y585F.
Identifiers: ClinVar variation 1379069 (VCV001379069.8), dbSNP rs777069327, ClinGen allele CA351893629.